The following is an entry in ClinVar:

ClinVar aggregate classification (germline): Likely benign (1 of 4 stars; one submission).

Allele frequency attached by ClinVar (database versions not stated): ExAC 0.00261; gnomAD 0.00780; 1000 Genomes Project 30x 0.00812; 1000 Genomes Project 0.00819; TOPMed 0.00865; ESP Exome Variant Server 0.00884.
gnomAD v4.1: 2,280 of 1,471,020 alleles (0.15%); highest among the groups gnomAD compares: African/African-American, 2.8%; 32 homozygotes.

Submission:

GeneDx
Classification: Likely benign. Last evaluated: 2021-12-07. Review status: criteria provided, single submitter. Criteria: GeneDx Variant Classification Process June 2021. Collection method: clinical testing. Allele origin: germline. Affected: yes.
Comment: See Variant Classification Assertion Criteria.

NM_001510.4(GRID2):c.88+30A>T

Genes: GRID2 (glutamate ionotropic receptor delta type subunit 2; plus strand), GRID2-AS1 (GRID2 antisense RNA 1; minus strand). Cytogenetic location: 4q22.1.
Variant type: single nucleotide variant.
Coding change: c.88+30A>T on transcript NM_001510.4 (MANE Select); 30 bases into the intron after coding-DNA position 88, A replaced by T.
Molecular consequence: intron variant.
Genome position (GRCh38, 1-based): chr4:92,304,774, A>T. VCF-style: chr4-92304774-A-T. GRCh37 (hg19) VCF-style: chr4-93225925-A-T.
Other names: c.88+30A>T (NM_001286838.1).
Identifiers: ClinVar variation 1722914 (VCV001722914.2), dbSNP rs114432116, ClinGen allele CA3011865.